The following is an entry in ClinVar:

NM_003070.5(SMARCA2):c.2194C>G (p.Leu732Val)

Gene: SMARCA2 (SWI/SNF related BAF chromatin remodeling complex subunit ATPase 2; plus strand). Cytogenetic location: 9p24.3.
Variant type: single nucleotide variant.
Coding change: c.2194C>G on transcript NM_003070.5 (MANE Select); coding-DNA position 2194, C replaced by G.
Protein change: p.Leu732Val; replaces leucine 732 with valine.
Molecular consequence: missense variant.
Genome position (GRCh38, 1-based): chr9:2,081,841, C>G. VCF-style: chr9-2081841-C-G. GRCh37 (hg19) VCF-style: chr9-2081841-C-G.
Other names: c.2194C>G, p.Leu732Val (NM_001289396.2, NM_001289397.2, NM_139045.4); short protein forms L732V.
Identifiers: ClinVar variation 4746475 (VCV004746475.1).

ClinVar aggregate classification (germline): Uncertain significance (1 of 4 stars; one submission).

gnomAD v4.1: 2 of 1,613,966 alleles (0.00012%); highest among the groups gnomAD compares: Non-Finnish European, 0.00017%; no homozygotes.

Submission:

Labcorp Genetics (formerly Invitae), Labcorp
Classification: Uncertain significance. Last evaluated: 2025-12-23. Review status: criteria provided, single submitter. Criteria: Invitae Variant Classification Sherloc (09022015). Collection method: clinical testing. Allele origin: germline.
Comment: This sequence change replaces leucine, which is neutral and non-polar, with valine, which is neutral and non-polar, at codon 732 of the SMARCA2 protein (p.Leu732Val). This variant is not present in population databases (gnomAD no frequency). This variant has not been reported in the literature in individuals affected with SMARCA2-related conditions. Invitae Evidence Modeling of protein sequence and biophysical properties (such as structural, functional, and spatial information, amino acid conservation, physicochemical variation, residue mobility, and thermodynamic stability) has been performed for this missense variant. However, the output from this modeling did not meet the statistical confidence thresholds required to predict the impact of this variant on SMARCA2 protein function. In summary, the available evidence is currently insufficient to determine the role of this variant in disease. Therefore, it has been classified as a Variant of Uncertain Significance.